The following is an entry in ClinVar:

NM_000308.4(CTSA):c.1101C>T (p.Asn367=)

Gene: CTSA (cathepsin A; plus strand). Cytogenetic location: 20q13.12.
Variant type: single nucleotide variant.
Coding change: c.1101C>T on transcript NM_000308.4 (MANE Select); coding-DNA position 1101, C replaced by T.
Protein change: p.Asn367=; no amino-acid change (asparagine 367 retained).
Molecular consequence: synonymous variant. On other transcripts: non-coding transcript variant (1).
Genome position (GRCh38, 1-based): chr20:45,896,977, C>T. VCF-style: chr20-45896977-C-T. GRCh37 (hg19) VCF-style: chr20-44525616-C-T.
Other names: c.1101C>T, p.Asn367= (NM_001127695.3); c.1050C>T, p.Asn350= (NM_001167594.3).
Identifiers: ClinVar variation 1602405 (VCV001602405.14), dbSNP rs201234134, ClinGen allele CA9883291.

ClinVar aggregate classification (germline): Likely benign. Review status: criteria provided, multiple submitters, no conflicts (2 of 4 stars). 2 submissions from 2 submitters: Likely benign (2). Last evaluated 2026-01-09.

Conditions:
Combined deficiency of sialidase AND beta galactosidase (GSL). Also called: CATHEPSIN A DEFICIENCY; GOLDBERG SYNDROME; NEURAMINIDASE DEFICIENCY WITH BETA-GALACTOSIDASE DEFICIENCY; NEURAMINIDASE/BETA-GALACTOSIDASE EXPRESSION; PPCA DEFICIENCY; PROTECTIVE PROTEIN/CATHEPSIN A DEFICIENCY. Identifiers: Orphanet 351, MedGen C0268233, MONDO:0009737, OMIM 256540.

Allele frequency attached by ClinVar (database versions not stated): gnomAD 0.00001 and 0.00003; gnomAD exomes 0.00001 and 0.00004; TOPMed 0.00002; ExAC 0.00005; 1000 Genomes Project 30x 0.00031; 1000 Genomes Project 0.00040.
gnomAD v4.1: 23 of 1,614,046 alleles (0.0014%); highest among the groups gnomAD compares: East Asian, 0.04%; no homozygotes.

Submissions (2):

Labcorp Genetics (formerly Invitae), Labcorp
Classification: Likely benign for Combined deficiency of sialidase AND beta galactosidase. Last evaluated: 2026-01-09. Review status: criteria provided, single submitter. Criteria: Invitae Variant Classification Sherloc (09022015). Collection method: clinical testing. Allele origin: germline.

CeGaT Center for Human Genetics Tuebingen
Classification: Likely benign. Last evaluated: 2025-11-01. Review status: criteria provided, single submitter. Criteria: CeGaT Center For Human Genetics Tuebingen Variant Classification Criteria Version 2. Collection method: clinical testing. Allele origin: germline. Affected: yes. Observed: 1 variant allele.
Comment: CTSA: BP4, BP7